The following is an entry in ClinVar:

NM_000372.5(TYR):c.653G>A (p.Trp218Ter)

Gene: TYR (tyrosinase; plus strand). Cytogenetic location: 11q14.3.
Variant type: single nucleotide variant.
Coding change: c.653G>A on transcript NM_000372.5 (MANE Select); coding-DNA position 653, G replaced by A.
Protein change: p.Trp218Ter; replaces tryptophan 218 with a stop codon.
Molecular consequence: nonsense.
Genome position (GRCh38, 1-based): chr11:89,178,606, G>A. VCF-style: chr11-89178606-G-A. GRCh37 (hg19) VCF-style: chr11-88911774-G-A.
Other names: short protein forms W218*.
Identifiers: ClinVar variation 2907416 (VCV002907416.3), dbSNP rs1943260292, ClinGen allele CA382035058.

ClinVar aggregate classification (germline): Pathogenic (1 of 4 stars; one submission).

Allele frequency attached by ClinVar (database versions not stated): gnomAD exomes below 0.00001.
gnomAD v4.1: 1 of 1,612,630 alleles (0.000062%); highest among the groups gnomAD compares: Non-Finnish European, 0.000085%; no homozygotes.

Submission:

Labcorp Genetics (formerly Invitae), Labcorp
Classification: Pathogenic. Last evaluated: 2023-01-22. Review status: criteria provided, single submitter. Criteria: Invitae Variant Classification Sherloc (09022015). Collection method: clinical testing. Allele origin: germline.
Comment: This sequence change creates a premature translational stop signal (p.Trp218*) in the TYR gene. It is expected to result in an absent or disrupted protein product. Loss-of-function variants in TYR are known to be pathogenic (PMID: 23504663). For these reasons, this variant has been classified as Pathogenic. This premature translational stop signal has been observed in individual(s) with clinical features of TYR-related conditions (PMID: 26785811, 31077556). This variant is not present in population databases (gnomAD no frequency).

Literature cited by the submitters: PubMed 23504663; PubMed 26785811; PubMed 31077556.